The following is an entry in ClinVar:

NM_002234.4(KCNA5):c.546G>C (p.Gly182=)

Gene: KCNA5 (potassium voltage-gated channel subfamily A member 5; plus strand). Cytogenetic location: 12p13.32.
Variant type: single nucleotide variant.
Coding change: c.546G>C on transcript NM_002234.4 (MANE Select); coding-DNA position 546, G replaced by C.
Protein change: p.Gly182=; no amino-acid change (glycine 182 retained).
Molecular consequence: synonymous variant.
Genome position (GRCh38, 1-based): chr12:5,044,693, G>C. VCF-style: chr12-5044693-G-C. GRCh37 (hg19) VCF-style: chr12-5153859-G-C.
Identifiers: ClinVar variation 4724923 (VCV004724923.1).

ClinVar aggregate classification (germline): Uncertain significance (1 of 4 stars; one submission).

Conditions:
Atrial fibrillation, familial, 7 (ATFB7). Identifiers: MedGen C2677106, MONDO:0012828, OMIM 612240.

Submission:

Labcorp Genetics (formerly Invitae), Labcorp
Classification: Uncertain significance for Atrial fibrillation, familial, 7. Last evaluated: 2025-08-19. Review status: criteria provided, single submitter. Criteria: Invitae Variant Classification Sherloc (09022015). Collection method: clinical testing. Allele origin: germline.
Comment: This sequence change affects codon 182 of the KCNA5 mRNA. It is a 'silent' change, meaning that it does not change the encoded amino acid sequence of the KCNA5 protein. This variant is not present in population databases (gnomAD no frequency). This variant has not been reported in the literature in individuals affected with KCNA5-related conditions. In summary, the available evidence is currently insufficient to determine the role of this variant in disease. Therefore, it has been classified as a Variant of Uncertain Significance.